The following is an entry in ClinVar:

ClinVar aggregate classification (germline): Uncertain significance (1 of 4 stars; one submission).

Conditions:
Evans syndrome, immunodeficiency, and premature immunosenescence associated with tripeptidyl-peptidase II deficiency. Identifiers: MedGen CN231723. Disease mechanism: loss of function.

gnomAD v4.1: 18 of 1,611,948 alleles (0.0011%); highest among the groups gnomAD compares: East Asian, 0.04%; no homozygotes.

Submission:

Labcorp Genetics (formerly Invitae), Labcorp
Classification: Uncertain significance for Evans syndrome, immunodeficiency, and premature immunosenescence associated with tripeptidyl-peptidase II deficiency. Last evaluated: 2024-10-04. Review status: criteria provided, single submitter. Criteria: Invitae Variant Classification Sherloc (09022015). Collection method: clinical testing. Allele origin: germline.
Comment: This sequence change replaces glutamic acid, which is acidic and polar, with lysine, which is basic and polar, at codon 214 of the TPP2 protein (p.Glu214Lys). This variant is not present in population databases (gnomAD no frequency). This variant has not been reported in the literature in individuals affected with TPP2-related conditions. An algorithm developed to predict the effect of missense changes on protein structure and function (PolyPhen-2) suggests that this variant is likely to be disruptive. In summary, the available evidence is currently insufficient to determine the role of this variant in disease. Therefore, it has been classified as a Variant of Uncertain Significance.

NM_001330588.2(TPP2):c.640G>A (p.Glu214Lys)

Gene: TPP2 (tripeptidyl peptidase 2; plus strand). Cytogenetic location: 13q33.1.
Variant type: single nucleotide variant.
Coding change: c.640G>A on transcript NM_001330588.2 (MANE Select); coding-DNA position 640, G replaced by A.
Protein change: p.Glu214Lys; replaces glutamic acid 214 with lysine.
Molecular consequence: missense variant. On other transcripts: non-coding transcript variant (1).
Genome position (GRCh38, 1-based): chr13:102,622,896, G>A. VCF-style: chr13-102622896-G-A. GRCh37 (hg19) VCF-style: chr13-103275246-G-A.
Other names: c.640G>A, p.Glu214Lys (NM_001367947.1, NM_003291.4); short protein forms E214K.
Identifiers: ClinVar variation 3722216 (VCV003722216.2).
Genomic context (GRCh38, chr13:102,622,896, plus strand): 5'-GAAAATAAATTTTACTGTCTCCATTTCTTTTTAATTAATAGAGCCTGCATTGATTCTAAT[G>A]AAGATGGGGACTTGAGTAAATCTACCGTGTTGAGAAACTACAAAGAAGCCCAAGAATATG-3'
Protein context (NP_001317517.1, residues 204-224): EVWRACIDSN[Glu214Lys]DGDLSKSTVL